The following is an entry in ClinVar:

ClinVar aggregate classification (germline): Likely pathogenic (1 of 4 stars; one submission).

Conditions:
Diamond-Blackfan anemia 6 (DBA6). Also called: RPL5-Related Diamond-Blackfan Anemia. Identifiers: Orphanet 124, MedGen C2931850, MONDO:0012937, OMIM 612561.

Submission:

3billion
Classification: Likely pathogenic for Diamond-Blackfan anemia 6. Last evaluated: 2022-03-22. Review status: criteria provided, single submitter. Criteria: ACMG Guidelines, 2015. Collection method: clinical testing. Allele origin: germline. Affected: yes. Observed: 1 heterozygote.
Comment: Frameshift: predicted to result in a loss or disruption of normal protein function through nonsense-mediated decay (NMD) or protein truncation. Multiple pathogenic variants are reported downstream of the variant.It is not observed in the gnomAD v2.1.1 dataset. Therefore, this variant is classified as likely pathogenic according to the recommendation of ACMG/AMP guideline.

NM_000969.5(RPL5):c.613dup (p.Ala205fs)

Genes: DIPK1A (divergent protein kinase domain 1A; minus strand), RPL5 (ribosomal protein L5; plus strand). Cytogenetic location: 1p22.1.
Variant type: Duplication.
Coding change: c.613dup on transcript NM_000969.5 (MANE Select); coding-DNA position 613, one base duplicated (G; older notation c.613dupG).
Protein change: p.Ala205fs; shifts the reading frame from alanine 205.
Molecular consequence: frameshift variant. On other transcripts: non-coding transcript variant (1), intron variant (1).
Genome position (GRCh38, 1-based): chr1:92,837,541, G duplicated. VCF-style (leftmost placement, unchanged base first): chr1-92837540-T-TG. GRCh37 (hg19) VCF-style: chr1-93303097-T-TG.
Other names: c.475-4507dup (NM_001252273.2); short protein forms A205fs.
Identifiers: ClinVar variation 1526098 (VCV001526098.3), dbSNP rs2100688414, ClinGen allele CA2573132666.